The following is an entry in ClinVar:

ClinVar aggregate classification (germline): Uncertain significance. Review status: criteria provided, multiple submitters, no conflicts (2 of 4 stars). 4 submissions from 4 submitters: Uncertain significance (4). Last evaluated 2025-03-07.

Conditions:
Combined oxidative phosphorylation defect type 27. Also called: Combined oxidative phosphorylation deficiency 27. Identifiers: Orphanet 477774, MedGen C5567608, MONDO:0014728, OMIM 616672.
Inborn genetic diseases. Identifiers: MedGen C0950123, MeSH D030342.

Allele frequency attached by ClinVar (database versions not stated): 1000 Genomes Project 30x 0.00016; 1000 Genomes Project 0.00020; gnomAD 0.00033 and 0.00034; ExAC 0.00037; gnomAD exomes 0.00037 and 0.00081; TOPMed 0.00037; ESP Exome Variant Server 0.00046.
gnomAD v4.1: 1,233 of 1,614,002 alleles (0.076%); highest among the groups gnomAD compares: Non-Finnish European, 0.099%; no homozygotes.

Submissions (4):

Ambry Genetics
Classification: Uncertain significance for Inborn genetic diseases. Last evaluated: 2025-03-07. Review status: criteria provided, single submitter. Criteria: Ambry Variant Classification Scheme 2023. Collection method: clinical testing. Allele origin: germline.

Mayo Clinic Laboratories, Mayo Clinic
Classification: Uncertain significance. Last evaluated: 2023-11-03. Review status: criteria provided, single submitter. Criteria: ACMG Guidelines, 2015. Collection method: clinical testing. Allele origin: germline. Observed: 1 variant allele.
Comment: BP4

Baylor Genetics
Classification: Uncertain significance for Combined oxidative phosphorylation defect type 27. Last evaluated: 2023-04-20. Review status: criteria provided, single submitter. Criteria: ACMG Guidelines, 2015. Collection method: clinical testing. Allele origin: unknown.

Labcorp Genetics (formerly Invitae), Labcorp
Classification: Uncertain significance for Combined oxidative phosphorylation defect type 27. Last evaluated: 2022-10-18. Review status: criteria provided, single submitter. Criteria: Invitae Variant Classification Sherloc (09022015). Collection method: clinical testing. Allele origin: germline.
Comment: This sequence change replaces proline, which is neutral and non-polar, with leucine, which is neutral and non-polar, at codon 444 of the CARS2 protein (p.Pro444Leu). This variant is present in population databases (rs151097801, gnomAD 0.07%). This variant has not been reported in the literature in individuals affected with CARS2-related conditions. ClinVar contains an entry for this variant (Variation ID: 542305). Algorithms developed to predict the effect of missense changes on protein structure and function are either unavailable or do not agree on the potential impact of this missense change (SIFT: "Deleterious"; PolyPhen-2: "Benign"; Align-GVGD: "Class C35"). In summary, the available evidence is currently insufficient to determine the role of this variant in disease. Therefore, it has been classified as a Variant of Uncertain Significance.

NM_024537.4(CARS2):c.1331C>T (p.Pro444Leu)

Gene: CARS2 (cysteinyl-tRNA synthetase 2, mitochondrial; minus strand). Cytogenetic location: 13q34.
Variant type: single nucleotide variant.
Coding change: c.1331C>T on transcript NM_024537.4 (MANE Select); coding-DNA position 1331, C replaced by T.
Protein change: p.Pro444Leu; replaces proline 444 with leucine.
Molecular consequence: missense variant. On other transcripts: non-coding transcript variant (2).
Genome position (GRCh38, 1-based): chr13:110,644,470, G>A on the plus strand (C>T on the coding strand, the complement: CARS2 is on the minus strand). VCF-style: chr13-110644470-G-A. GRCh37 (hg19) VCF-style: chr13-111296817-G-A.
Other names: p.Pro444Leu; c.545C>T, p.Pro182Leu (NM_001352252.2); c.1331C>T (NM_024537.2); short protein forms P444L, P182L.
Identifiers: ClinVar variation 542305 (VCV000542305.11), dbSNP rs151097801, ClinGen allele CA7051808.